The following is an entry in ClinVar:

ClinVar aggregate classification (germline): Uncertain significance (1 of 4 stars; one submission).

Allele frequency attached by ClinVar (database versions not stated): gnomAD exomes below 0.00001.
gnomAD v4.1: 3 of 1,605,218 alleles (0.00019%); highest among the groups gnomAD compares: Non-Finnish European, 0.00026%; no homozygotes.

Submission:

GeneDx
Classification: Uncertain significance. Last evaluated: 2021-04-22. Review status: criteria provided, single submitter. Criteria: GeneDx Variant Classification Process June 2021. Collection method: clinical testing. Allele origin: germline. Affected: yes.
Comment: Reported as c.*26+2T>C in one individual with HCM, though patient-specific details were not described (Walsh et al., 2017); Not observed in large population cohorts (Lek et al., 2016); Canonical splice site variant with an unclear effect on protein function; This variant is associated with the following publications: (PMID: 27532257)

NM_000256.3(MYBPC3):c.*26+2T>C

Gene: MYBPC3 (myosin binding protein C3; minus strand). Cytogenetic location: 11p11.2.
Variant type: single nucleotide variant.
Coding change: c.*26+2T>C on transcript NM_000256.3 (MANE Select); the canonical splice donor site of the intron after 26 bases downstream of the stop codon, T replaced by C.
Molecular consequence: splice donor variant.
Genome position (GRCh38, 1-based): chr11:47,331,843, A>G on the plus strand (T>C on the coding strand, the complement: MYBPC3 is on the minus strand). VCF-style: chr11-47331843-A-G. GRCh37 (hg19) VCF-style: chr11-47353394-A-G.
Identifiers: ClinVar variation 1303515 (VCV001303515.2), dbSNP rs1416420771, ClinGen allele CA677012771.